The following is an entry in ClinVar:

ClinVar aggregate classification (germline): Uncertain significance. Review status: criteria provided, multiple submitters, no conflicts (2 of 4 stars). 2 submissions from 2 submitters: Uncertain significance (2). Last evaluated 2026-01-06.

Conditions:
IL12RB2-related disorder. Also called: IL12RB2-related condition.

Allele frequency attached by ClinVar (database versions not stated): gnomAD exomes 0.00002; TOPMed 0.00004; ExAC 0.00007.
gnomAD v4.1: 13 of 1,614,220 alleles (0.00081%); highest among the groups gnomAD compares: Admixed American, 0.022%; no homozygotes.

Submissions (2):

Labcorp Genetics (formerly Invitae), Labcorp
Classification: Uncertain significance. Last evaluated: 2026-01-06. Review status: criteria provided, single submitter. Criteria: Invitae Variant Classification Sherloc (09022015). Collection method: clinical testing. Allele origin: germline.
Comment: This sequence change replaces arginine, which is basic and polar, with glycine, which is neutral and non-polar, at codon 691 of the IL12RB2 protein (p.Arg691Gly). This variant is present in population databases (rs748575002, gnomAD 0.01%). This variant has not been reported in the literature in individuals affected with IL12RB2-related conditions. ClinVar contains an entry for this variant (Variation ID: 2715938). An algorithm developed to predict the effect of missense changes on protein structure and function outputs the following: PolyPhen-2: "Benign". The glycine amino acid residue is found in multiple mammalian species, which suggests that this missense change does not adversely affect protein function. In summary, the available evidence is currently insufficient to determine the role of this variant in disease. Therefore, it has been classified as a Variant of Uncertain Significance.

PreventionGenetics, part of Exact Sciences
Classification: Uncertain significance for IL12RB2-related condition. Last evaluated: 2025-01-22. Review status: criteria provided, single submitter. Criteria: ACMG Guidelines, 2015. Collection method: clinical testing. Allele origin: germline.
Comment: The IL12RB2 c.2071A>G variant is predicted to result in the amino acid substitution p.Arg691Gly. To our knowledge, this variant has not been reported in the literature. This variant is reported in 0.029% of alleles in individuals of Latino descent in gnomAD. At this time, the clinical significance of this variant is uncertain due to the absence of conclusive functional and genetic evidence.

NM_001374259.2(IL12RB2):c.2071A>G (p.Arg691Gly)

Gene: IL12RB2 (interleukin 12 receptor subunit beta 2; plus strand). Cytogenetic location: 1p31.3.
Variant type: single nucleotide variant.
Coding change: c.2071A>G on transcript NM_001374259.2 (MANE Select); coding-DNA position 2071, A replaced by G.
Protein change: p.Arg691Gly; replaces arginine 691 with glycine.
Molecular consequence: missense variant. On other transcripts: synonymous variant (2), non-coding transcript variant (2).
Genome position (GRCh38, 1-based): chr1:67,395,571, A>G. VCF-style: chr1-67395571-A-G. GRCh37 (hg19) VCF-style: chr1-67861254-A-G.
Other names: c.2071A>G (NM_001559.2); c.1971A>G, p.Thr657= (NM_001258214.1, NM_001319233.1); c.1813A>G, p.Arg605Gly (NM_001258215.1); c.1880A>G, p.Gln627Arg (NM_001258216.1); c.2071A>G, p.Arg691Gly (NM_001559.3); short protein forms Q627R, R605G, R691G.
Identifiers: ClinVar variation 2715938 (VCV002715938.4), dbSNP rs748575002, ClinGen allele CA900664.